The following is an entry in ClinVar:

ClinVar aggregate classification (germline): Likely benign (1 of 4 stars; one submission).

Allele frequency attached by ClinVar (database versions not stated): TOPMed 0.00013; gnomAD 0.00017; gnomAD exomes 0.00021; ESP Exome Variant Server 0.00038; ExAC 0.00051.
gnomAD v4.1: 250 of 1,209,735 alleles (0.021%); highest among the groups gnomAD compares: South Asian, 0.046%; 1 homozygote.

Submission:

CeGaT Center for Human Genetics Tuebingen
Classification: Likely benign. Last evaluated: 2023-02-01. Review status: criteria provided, single submitter. Criteria: CeGaT Center For Human Genetics Tuebingen Variant Classification Criteria Version 2. Collection method: clinical testing. Allele origin: germline. Affected: yes. Observed: 1 variant allele.
Comment: TXLNG: BP4, BP7, BS2

NM_018360.3(TXLNG):c.1347T>C (p.Asn449=)

Gene: TXLNG (taxilin gamma; plus strand). Cytogenetic location: Xp22.2.
Variant type: single nucleotide variant.
Coding change: c.1347T>C on transcript NM_018360.3 (MANE Select); coding-DNA position 1347, T replaced by C.
Protein change: p.Asn449=; no amino-acid change (asparagine 449 retained).
Molecular consequence: synonymous variant.
Genome position (GRCh38, 1-based): chrX:16,841,526, T>C. VCF-style: chrX-16841526-T-C. GRCh37 (hg19) VCF-style: chrX-16859649-T-C.
Other names: c.951T>C, p.Asn317= (NM_001168683.2).
Identifiers: ClinVar variation 2660069 (VCV002660069.24), dbSNP rs146909764, ClinGen allele CA10357642.